The following is an entry in ClinVar:

NM_002439.5(MSH3):c.3233T>C (p.Val1078Ala)

Gene: MSH3 (mutS homolog 3; plus strand). Cytogenetic location: 5q14.1.
Variant type: single nucleotide variant.
Coding change: c.3233T>C on transcript NM_002439.5 (MANE Select); coding-DNA position 3233, T replaced by C.
Protein change: p.Val1078Ala; replaces valine 1078 with alanine.
Molecular consequence: missense variant.
Genome position (GRCh38, 1-based): chr5:80,873,218, T>C. VCF-style: chr5-80873218-T-C. GRCh37 (hg19) VCF-style: chr5-80169037-T-C.
Other names: short protein forms V1078A.
Identifiers: ClinVar variation 1692674 (VCV001692674.1), dbSNP rs2112128803, ClinGen allele CA360346996.

ClinVar aggregate classification (germline): Uncertain significance (1 of 4 stars; one submission).

Conditions:
Hereditary cancer-predisposing syndrome. Also called: Hereditary Cancer Syndrome; Hereditary neoplastic syndrome; Neoplastic Syndromes, Hereditary; Tumor predisposition. Identifiers: Orphanet 140162, MedGen C0027672, MeSH D009386, MONDO:0015356.

Submission:

Sema4
Classification: Uncertain significance for Hereditary cancer-predisposing syndrome. Last evaluated: 2021-11-06. Review status: criteria provided, single submitter. Criteria: Sema4 Curation Guidelines. Collection method: curation. Allele origin: germline.
Comment: The MSH3 c.3233T>C (p.V1078A) variant has not been reported in literature to our knowledge. It was not observed in the large and broad cohorts of the Genome Aggregation Database (PMID: 32461654), nor in ClinVar. Functional studies have not been performed, and in silico predictions of the variant's effect on protein function are inconclusive. The evidence is insufficient to meet ACMG/AMP criteria for classifying the variant as benign or pathogenic. Thus, the clinical significance of this variant is currently uncertain.